The following is an entry in ClinVar:

ClinVar aggregate classification (germline): Likely pathogenic (1 of 4 stars; one submission).

Conditions:
Autosomal recessive nonsyndromic hearing loss 77. Identifiers: Orphanet 90636, MedGen C2746083, MONDO:0013119, OMIM 613079.

Submission:

Myriad Genetics, Inc.
Classification: Likely pathogenic for Autosomal recessive nonsyndromic hearing loss 77. Last evaluated: 2021-12-30. Review status: criteria provided, single submitter. Criteria: Myriad Women's Health Autosomal Recessive and X-Linked Classification Criteria (2021). Collection method: clinical testing. Allele origin: unknown.
Comment: NM_144612.6(LOXHD1):c.5482_5483delGC(A1828Sfs*2) is expected to be pathogenic in the context of LOXHD1-related DFNB77 hearing loss and deafness. This variant is predicted to lead to an abnormal or absent protein product due to the creation of a premature termination codon in LOXHD1, a gene where loss-of-function variants are known to be pathogenic. Please note: this variant was assessed in the context of healthy population screening.

NM_001384474.1(LOXHD1):c.5668_5669del (p.Ala1890fs)

Gene: LOXHD1 (lipoxygenase homology PLAT domains 1; minus strand). Cytogenetic location: 18q21.1.
Variant type: Deletion.
Coding change: c.5668_5669del on transcript NM_001384474.1 (MANE Select); coding-DNA positions 5668 to 5669, 2 bases deleted (GC; older notation c.5668_5669delGC).
Protein change: p.Ala1890fs; shifts the reading frame from alanine 1890.
Molecular consequence: frameshift variant.
Genome position (GRCh38, 1-based): chr18:46,507,561-46,507,562, GC deleted on the plus strand (GC on the coding strand, the reverse complement: LOXHD1 is on the minus strand); deleting any 2 consecutive bases within chr18:46,507,561-46,507,563 gives the same sequence; the c. name uses the placement nearest the transcript's 3' end. VCF-style (leftmost placement, unchanged base first): chr18-46507560-TGC-T. GRCh37 (hg19) VCF-style: chr18-44087523-TGC-T.
Other names: c.2335_2336del, p.Ala779fs (NM_001145472.3); c.385_386del, p.Ala129fs (NM_001145473.3, NM_001173129.2); c.2047_2048del, p.Ala683fs (NM_001308013.2); c.5482_5483del, p.Ala1828fs (NM_144612.7); short protein forms A129fs, A1828fs, A1890fs, A683fs, A779fs.
Identifiers: ClinVar variation 1726707 (VCV001726707.2), dbSNP rs2511494549, ClinGen allele CA2580095756.